The following is an entry in ClinVar:

ClinVar aggregate classification (germline): Uncertain significance. Review status: criteria provided, multiple submitters, no conflicts (2 of 4 stars). 2 submissions from 2 submitters: Uncertain significance (2). Last evaluated 2025-05-03.

Conditions:
Inborn genetic diseases. Identifiers: MedGen C0950123, MeSH D030342.

Allele frequency attached by ClinVar (database versions not stated): ExAC 0.00001; gnomAD 0.00001; gnomAD exomes 0.00002.
gnomAD v4.1: 25 of 1,613,644 alleles (0.0015%); highest among the groups gnomAD compares: South Asian, 0.0022%; no homozygotes.

Submissions (2):

Ambry Genetics
Classification: Uncertain significance for Inborn genetic diseases. Last evaluated: 2025-05-03. Review status: criteria provided, single submitter. Criteria: Ambry Variant Classification Scheme 2023. Collection method: clinical testing. Allele origin: germline.

Labcorp Genetics (formerly Invitae), Labcorp
Classification: Uncertain significance. Last evaluated: 2022-08-10. Review status: criteria provided, single submitter. Criteria: Invitae Variant Classification Sherloc (09022015). Collection method: clinical testing. Allele origin: germline.
Comment: This sequence change replaces glutamic acid, which is acidic and polar, with alanine, which is neutral and non-polar, at codon 192 of the ADAMTSL4 protein (p.Glu192Ala). This variant is present in population databases (rs774850414, gnomAD 0.002%). This variant has not been reported in the literature in individuals affected with ADAMTSL4-related conditions. Algorithms developed to predict the effect of missense changes on protein structure and function output the following: SIFT: "Tolerated"; PolyPhen-2: "Benign"; Align-GVGD: "Class C0". The alanine amino acid residue is found in multiple mammalian species, which suggests that this missense change does not adversely affect protein function. In summary, the available evidence is currently insufficient to determine the role of this variant in disease. Therefore, it has been classified as a Variant of Uncertain Significance.

NM_019032.6(ADAMTSL4):c.575A>C (p.Glu192Ala)

Genes: ADAMTSL4 (ADAMTS like 4; plus strand), ADAMTSL4-AS2 (ADAMTSL4 antisense RNA 2; minus strand). Cytogenetic location: 1q21.2.
Variant type: single nucleotide variant.
Coding change: c.575A>C on transcript NM_019032.6 (MANE Select); coding-DNA position 575, A replaced by C.
Protein change: p.Glu192Ala; replaces glutamic acid 192 with alanine.
Molecular consequence: missense variant.
Genome position (GRCh38, 1-based): chr1:150,553,566, A>C. VCF-style: chr1-150553566-A-C. GRCh37 (hg19) VCF-style: chr1-150526042-A-C.
Other names: c.575A>C, p.Glu192Ala (NM_001288607.2, NM_001288608.2, NM_001378596.1 and 1 more transcripts); c.575A>C (NM_019032.4); short protein forms E192A.
Identifiers: ClinVar variation 2418601 (VCV002418601.5), dbSNP rs774850414, ClinGen allele CA1077989.